The following is an entry in ClinVar:

ClinVar aggregate classification (germline): Benign/Likely benign. Review status: criteria provided, multiple submitters, no conflicts (2 of 4 stars). 3 submissions from 3 submitters: Benign (1); Likely benign (1). 1 of the submissions does not count toward it. Last evaluated 2025-09-15.

Conditions:
WDR35-related disorder. Also called: WDR35-related disorders; WDR35-related condition. Identifiers: MedGen CN239419.
Cranioectodermal dysplasia 2 (CED2). Identifiers: Orphanet 1515, MedGen C3150874, MONDO:0013323, OMIM 613610.
Short-rib thoracic dysplasia 7 with or without polydactyly (SRTD7). Also called: Short rib polydactyly syndrome 5; SHORT-RIB THORACIC DYSPLASIA 7 WITH POLYDACTYLY. Identifiers: Orphanet 498497, Orphanet 93271, MedGen C3279792, MONDO:0013569, OMIM 614091.

Allele frequency attached by ClinVar (database versions not stated): gnomAD exomes 0.00022 and 0.00008; ExAC 0.00029; 1000 Genomes Project 30x 0.00031; 1000 Genomes Project 0.00040; gnomAD 0.00089 and 0.00096; ESP Exome Variant Server 0.00092; TOPMed 0.00102.
gnomAD v4.1: 267 of 1,612,144 alleles (0.017%); highest among the groups gnomAD compares: African/African-American, 0.31%; no homozygotes.

Submissions (3):

Labcorp Genetics (formerly Invitae), Labcorp
Classification: Benign for Cranioectodermal dysplasia 2; Short-rib thoracic dysplasia 7 with or without polydactyly. Last evaluated: 2025-09-15. Review status: criteria provided, single submitter. Criteria: Invitae Variant Classification Sherloc (09022015). Collection method: clinical testing. Allele origin: germline.

Mayo Clinic Laboratories, Mayo Clinic
Classification: Likely benign. Last evaluated: 2025-06-26. Review status: criteria provided, single submitter. Criteria: ACMG Guidelines, 2015. Collection method: clinical testing. Allele origin: germline. Observed: 1 variant allele.
Comment: BS1, BP4, BP7

PreventionGenetics, part of Exact Sciences
Classification: Likely benign for WDR35-related condition. Last evaluated: 2021-04-06. Review status: no assertion criteria provided. Collection method: clinical testing. Allele origin: germline. Not counted in ClinVar's aggregate classification.
Comment: This variant is classified as likely benign based on ACMG/AMP sequence variant interpretation guidelines (Richards et al. 2015 PMID: 25741868, with internal and published modifications).

NM_020779.4(WDR35):c.142+10T>C

Gene: WDR35 (WD repeat domain 35; minus strand). Cytogenetic location: 2p24.1.
Variant type: single nucleotide variant.
Coding change: c.142+10T>C on transcript NM_020779.4 (MANE Select); 10 bases into the intron after coding-DNA position 142, T replaced by C.
Molecular consequence: intron variant.
Genome position (GRCh38, 1-based): chr2:19,989,155, A>G on the plus strand (T>C on the coding strand, the complement: WDR35 is on the minus strand). VCF-style: chr2-19989155-A-G. GRCh37 (hg19) VCF-style: chr2-20188916-A-G.
Other names: p.?; c.142+10T>C (NM_001006657.2).
Identifiers: ClinVar variation 772178 (VCV000772178.11), dbSNP rs186647997, ClinGen allele CA1543633.